The following is an entry in ClinVar:

ClinVar aggregate classification (germline): Uncertain significance. Review status: criteria provided, multiple submitters, no conflicts (2 of 4 stars). 2 submissions from 2 submitters: Uncertain significance (2). Last evaluated 2023-10-19.

Conditions:
Cardiovascular phenotype. Identifiers: MedGen CN230736.

Allele frequency attached by ClinVar (database versions not stated): TOPMed below 0.00001; gnomAD 0.00001.
gnomAD v4.1: 1 of 1,614,018 alleles (0.000062%); highest among the groups gnomAD compares: Non-Finnish European, 0.000085%; no homozygotes.

Submissions (2):

GeneDx
Classification: Uncertain significance. Last evaluated: 2023-10-19. Review status: criteria provided, single submitter. Criteria: GeneDx Variant Classification Process June 2021. Collection method: clinical testing. Allele origin: germline. Affected: yes.
Comment: Has not been previously published as pathogenic or benign to our knowledge; Not observed at significant frequency in large population cohorts (gnomAD); Located in the myosin motor domain, a region enriched with missense variants reported in association with HCM (Walsh et al., 2017; Kelly et al., 2018); In silico analysis supports that this missense variant has a deleterious effect on protein structure/function; This variant is associated with the following publications: (PMID: 27532257, 29300372)

Ambry Genetics
Classification: Uncertain significance for Cardiovascular phenotype. Last evaluated: 2022-09-30. Review status: criteria provided, single submitter. Criteria: Ambry Variant Classification Scheme 2023. Collection method: clinical testing. Allele origin: germline.
Comment: The p.S156F variant (also known as c.467C>T), located in coding exon 3 of the MYH7 gene, results from a C to T substitution at nucleotide position 467. The serine at codon 156 is replaced by phenylalanine, an amino acid with highly dissimilar properties. This amino acid position is highly conserved in available vertebrate species. In addition, this alteration is predicted to be deleterious by in silico analysis. Since supporting evidence is limited at this time, the clinical significance of this alteration remains unclear.

NM_000257.4(MYH7):c.467C>T (p.Ser156Phe)

Gene: MYH7 (myosin heavy chain 7; minus strand). Cytogenetic location: 14q11.2.
Variant type: single nucleotide variant.
Coding change: c.467C>T on transcript NM_000257.4 (MANE Select); coding-DNA position 467, C replaced by T.
Protein change: p.Ser156Phe; replaces serine 156 with phenylalanine.
Molecular consequence: missense variant.
Genome position (GRCh38, 1-based): chr14:23,432,674, G>A on the plus strand (C>T on the coding strand, the complement: MYH7 is on the minus strand). VCF-style: chr14-23432674-G-A. GRCh37 (hg19) VCF-style: chr14-23901883-G-A.
Other names: c.467C>T, p.Ser156Phe (NM_001407004.1); short protein forms S156F.
Identifiers: ClinVar variation 1742381 (VCV001742381.3), dbSNP rs1441500473, ClinGen allele CA389052760.